The following is an entry in ClinVar:

NM_001386298.1(CIC):c.2813C>T (p.Pro938Leu)

Gene: CIC (capicua transcriptional repressor; plus strand). Cytogenetic location: 19q13.2.
Variant type: single nucleotide variant.
Coding change: c.2813C>T on transcript NM_001386298.1 (MANE Select); coding-DNA position 2813, C replaced by T.
Protein change: p.Pro938Leu; replaces proline 938 with leucine.
Molecular consequence: missense variant.
Genome position (GRCh38, 1-based): chr19:42,286,789, C>T. VCF-style: chr19-42286789-C-T. GRCh37 (hg19) VCF-style: chr19-42790941-C-T.
Other names: c.2813C>T, p.Pro938Leu (NM_001304815.2, NM_001379480.1, NM_001379482.1); c.86C>T, p.Pro29Leu (NM_001379484.1, NM_001379485.1, NM_015125.5); short protein forms P29L, P938L.
Identifiers: ClinVar variation 1302299 (VCV001302299.3), dbSNP rs2147169557, ClinGen allele CA406095606.

ClinVar aggregate classification (germline): Uncertain significance (1 of 4 stars; one submission).

Submission:

GeneDx
Classification: Uncertain significance. Last evaluated: 2022-05-11. Review status: criteria provided, single submitter. Criteria: GeneDx Variant Classification Process June 2021. Collection method: clinical testing. Allele origin: germline. Affected: yes.
Comment: Not observed at significant frequency in large population cohorts (gnomAD); In silico analysis supports that this missense variant has a deleterious effect on protein structure/function; Has not been previously published as pathogenic or benign to our knowledge